The following is an entry in ClinVar:

NM_001754.5(RUNX1):c.219C>A (p.Ser73Arg)

Gene: RUNX1 (RUNX family transcription factor 1; minus strand). Cytogenetic location: 21q22.12.
Variant type: single nucleotide variant.
Coding change: c.219C>A on transcript NM_001754.5 (MANE Select); coding-DNA position 219, C replaced by A.
Protein change: p.Ser73Arg; replaces serine 73 with arginine.
Molecular consequence: missense variant.
Genome position (GRCh38, 1-based): chr21:34,886,975, G>T on the plus strand (C>A on the coding strand, the complement: RUNX1 is on the minus strand). VCF-style: chr21-34886975-G-T. GRCh37 (hg19) VCF-style: chr21-36259272-G-T.
Other names: c.138C>A, p.Ser46Arg (NM_001001890.3, NM_001122607.2); short protein forms S46R, S73R.
Identifiers: ClinVar variation 4863660 (VCV004863660.1).

ClinVar aggregate classification (germline): Uncertain significance (1 of 4 stars; one submission).

Conditions:
Inborn genetic diseases. Identifiers: MedGen C0950123, MeSH D030342.

gnomAD v4.1: 1 of 1,609,402 alleles (0.000062%); highest among the groups gnomAD compares: Non-Finnish European, 0.000085%; no homozygotes.

Submission:

Ambry Genetics
Classification: Uncertain significance for Inborn genetic diseases. Last evaluated: 2026-05-27. Review status: criteria provided, single submitter. Criteria: Ambry Variant Classification Scheme 2023. Collection method: clinical testing. Allele origin: germline.
Comment: The p.S73R variant (also known as c.219C>A), located in coding exon 3 of the RUNX1 gene, results from a C to A substitution at nucleotide position 219. The serine at codon 73 is replaced by arginine, an amino acid with dissimilar properties. This amino acid position is conserved. In addition, the in silico prediction for this alteration is inconclusive. Based on the available evidence, the clinical significance of this variant remains unclear.